The following is an entry in ClinVar:

NM_006947.4(SRP72):c.637G>A (p.Asp213Asn)

Gene: SRP72 (signal recognition particle 72; plus strand). Cytogenetic location: 4q12.
Variant type: single nucleotide variant.
Coding change: c.637G>A on transcript NM_006947.4 (MANE Select); coding-DNA position 637, G replaced by A.
Protein change: p.Asp213Asn; replaces aspartic acid 213 with asparagine.
Molecular consequence: missense variant. On other transcripts: non-coding transcript variant (1).
Genome position (GRCh38, 1-based): chr4:56,476,697, G>A. VCF-style: chr4-56476697-G-A. GRCh37 (hg19) VCF-style: chr4-57342863-G-A.
Other names: c.637G>A, p.Asp213Asn (NM_001267722.2); short protein forms D213N.
Identifiers: ClinVar variation 4589631 (VCV004589631.1).

ClinVar aggregate classification (germline): Uncertain significance (1 of 4 stars; one submission).

Submission:

Ambry Genetics
Classification: Uncertain significance. Last evaluated: 2025-11-22. Review status: criteria provided, single submitter. Criteria: Ambry Variant Classification Scheme 2023. Collection method: clinical testing. Allele origin: germline.
Comment: The p.D213N variant (also known as c.637G>A), located in coding exon 6 of the SRP72 gene, results from a G to A substitution at nucleotide position 637. The aspartic acid at codon 213 is replaced by asparagine, an amino acid with highly similar properties. This amino acid position is conserved. In addition, the in silico prediction for this alteration is inconclusive. Based on the available evidence, the clinical significance of this variant remains unclear.